The following is an entry in ClinVar:

NM_001253697.2(ERBIN):c.3085A>C (p.Asn1029His)

Gene: ERBIN (erbb2 interacting protein; plus strand). Cytogenetic location: 5q12.3.
Variant type: single nucleotide variant.
Coding change: c.3085A>C on transcript NM_001253697.2 (MANE Select); coding-DNA position 3085, A replaced by C.
Protein change: p.Asn1029His; replaces asparagine 1029 with histidine.
Molecular consequence: missense variant.
Genome position (GRCh38, 1-based): chr5:66,054,403, A>C. VCF-style: chr5-66054403-A-C. GRCh37 (hg19) VCF-style: chr5-65350231-A-C.
Other names: c.3085A>C, p.Asn1029His (NM_001006600.3, NM_001253698.2, NM_001253699.2 and 1 more transcripts); c.3073A>C, p.Asn1025His (NM_001253701.2); short protein forms N1025H, N1029H.
Identifiers: ClinVar variation 2978684 (VCV002978684.3), dbSNP rs770597449, ClinGen allele CA3286585.

ClinVar aggregate classification (germline): Uncertain significance (1 of 4 stars; one submission).

Allele frequency attached by ClinVar (database versions not stated): gnomAD exomes below 0.00001; ExAC 0.00001; TOPMed 0.00004; gnomAD 0.00005.
gnomAD v4.1: 13 of 1,614,000 alleles (0.00081%); highest among the groups gnomAD compares: African/African-American, 0.015%; no homozygotes.

Submission:

Labcorp Genetics (formerly Invitae), Labcorp
Classification: Uncertain significance. Last evaluated: 2022-11-16. Review status: criteria provided, single submitter. Criteria: Invitae Variant Classification Sherloc (09022015). Collection method: clinical testing. Allele origin: germline.
Comment: In summary, the available evidence is currently insufficient to determine the role of this variant in disease. Therefore, it has been classified as a Variant of Uncertain Significance. Algorithms developed to predict the effect of missense changes on protein structure and function are either unavailable or do not agree on the potential impact of this missense change (SIFT: "Deleterious"; PolyPhen-2: "Probably Damaging"; Align-GVGD: "Class C0"). This variant has not been reported in the literature in individuals affected with ERBIN-related conditions. This variant is present in population databases (rs770597449, gnomAD 0.02%). This sequence change replaces asparagine, which is neutral and polar, with histidine, which is basic and polar, at codon 1029 of the ERBIN protein (p.Asn1029His).